The following is an entry in ClinVar:

NM_004208.4(AIFM1):c.1424C>T (p.Pro475Leu)

Genes: AIFM1 (apoptosis inducing factor mitochondria associated 1; minus strand), RAB33A (RAB33A, member RAS oncogene family; plus strand). Cytogenetic location: Xq26.1.
Variant type: single nucleotide variant.
Coding change: c.1424C>T on transcript NM_004208.4 (MANE Select); coding-DNA position 1424, C replaced by T.
Protein change: p.Pro475Leu; replaces proline 475 with leucine.
Molecular consequence: missense variant. On other transcripts: 3 prime UTR variant (1), non-coding transcript variant (1).
Genome position (GRCh38, 1-based): chrX:130,133,337, G>A on the plus strand (C>T on the coding strand, the complement: AIFM1 is on the minus strand). VCF-style: chrX-130133337-G-A. GRCh37 (hg19) VCF-style: chrX-129267312-G-A.
Other names: c.407C>T, p.Pro136Leu (NM_001130846.4); c.*652C>T (NM_001130847.4); c.1412C>T, p.Pro471Leu (NM_145812.3); short protein forms P475L, P471L, P136L.
Identifiers: ClinVar variation 162481 (VCV000162481.8), dbSNP rs724160022, ClinGen allele CA175070.

ClinVar aggregate classification (germline): Likely pathogenic. Review status: criteria provided, single submitter (1 of 4 stars). 2 submissions from 2 submitters: Likely pathogenic (1). 1 of the submissions does not count toward it. Last evaluated 2024-01-15.

Conditions:
Charcot-Marie-Tooth disease X-linked recessive 4 (CMTX4). Also called: Cowchock syndrome; CHARCOT-MARIE-TOOTH DISEASE, X-LINKED RECESSIVE, 4, WITH OR WITHOUT CEREBELLAR ATAXIA; CHARCOT-MARIE-TOOTH DISEASE WITH DEAFNESS AND MENTAL RETARDATION. Identifiers: Orphanet 101078, MedGen C0795910, MONDO:0010689, OMIM 310490.
Deafness, X-linked 5 (DFNX5). Also called: DEAFNESS, X-LINKED 5, WITH PERIPHERAL NEUROPATHY; AUDITORY NEUROPATHY, X-LINKED, 1, WITH PERIPHERAL SENSORY NEUROPATHY. Identifiers: Orphanet 139583, MedGen C1845095, OMIM 300614.
Spondyloepimetaphyseal dysplasia, Bieganski type. Also called: SEMD X-linked with mental deterioration; Leukoencephalopathy with metaphyseal chondrodysplasia; Spondyloepimetaphyseal dysplasia, X-linked, with hypomyelinating leukodystrophy. Identifiers: Orphanet 168448, Orphanet 83629, MedGen C1846148, MONDO:0010275, OMIM 300232.
Combined oxidative phosphorylation deficiency. Identifiers: MedGen C4540031, MONDO:0000732.
Charcot-Marie-Tooth Neuropathy X. Identifiers: MedGen CN118851.

Allele frequency attached by ClinVar (database versions not stated): gnomAD exomes below 0.00001; TOPMed below 0.00001.
gnomAD v4.1: 2 of 1,211,123 alleles (0.00017%); highest among the groups gnomAD compares: South Asian, 0.0018%; no homozygotes.

Submissions (2):

Labcorp Genetics (formerly Invitae), Labcorp
Classification: Likely pathogenic for Charcot-Marie-Tooth Neuropathy X; Combined oxidative phosphorylation deficiency. Last evaluated: 2024-01-15. Review status: criteria provided, single submitter. Criteria: Invitae Variant Classification Sherloc (09022015). Collection method: clinical testing. Allele origin: germline.
Comment: This sequence change replaces proline, which is neutral and non-polar, with leucine, which is neutral and non-polar, at codon 475 of the AIFM1 protein (p.Pro475Leu). This variant is not present in population databases (gnomAD no frequency). This missense change has been observed in individuals with auditory neuropathy spectrum disorder (PMID: 25986071). ClinVar contains an entry for this variant (Variation ID: 162481). Advanced modeling of protein sequence and biophysical properties (such as structural, functional, and spatial information, amino acid conservation, physicochemical variation, residue mobility, and thermodynamic stability) performed at Invitae indicates that this missense variant is expected to disrupt AIFM1 protein function with a positive predictive value of 95%. In summary, the currently available evidence indicates that the variant is pathogenic, but additional data are needed to prove that conclusively. Therefore, this variant has been classified as Likely Pathogenic.

Deafness Gene Diagnosis, Xijing Hospital
Classification: Likely pathogenic for Deafness, X-linked 5. Review status: no assertion criteria provided. Collection method: clinical testing. Allele origin: unknown. Inheritance: Sporadic. Affected: yes. Observed: 1 variant allele, 1 homozygote. Not counted in ClinVar's aggregate classification.
Comment: missense mutation in conserved position, not detected in normal control (118 people), and Mutationtaster predicted as Disease Causing

Literature cited by the submitters: PubMed 25986071 (cited by Labcorp Genetics (formerly Invitae), Labcorp).